The following is an entry in ClinVar:

ClinVar aggregate classification (germline): Uncertain significance (1 of 4 stars; one submission).

Conditions:
X-linked lymphoproliferative disease due to XIAP deficiency. Also called: XIAP DEFICIENCY; XIAP-Related Lymphoproliferative Disease, X-Linked. Identifiers: Orphanet 2442, Orphanet 538934, MedGen C1845076, MONDO:0010385, OMIM 300635.

Submission:

Labcorp Genetics (formerly Invitae), Labcorp
Classification: Uncertain significance for Lymphoproliferative syndrome 2, X-linked. Last evaluated: 2019-10-19. Review status: criteria provided, single submitter. Criteria: Invitae Variant Classification Sherloc (09022015). Collection method: clinical testing. Allele origin: germline.
Comment: This variant results in a copy number gain of the genomic region encompassing exons 2 of the XIAP gene, which includes the initiator codon. The 5' end of this event is unknown as it extends beyond the assayed region for this gene and therefore may encompass additional genes. The 3' boundary is likely confined to intron 2 of the XIAP gene. As the precise location of this event is unknown, it may be in tandem or it may be located elsewhere in the genome. This variant has not been reported in the literature in individuals with XIAP-related conditions. Experimental studies and prediction algorithms are not available or were not evaluated, and the functional significance of this variant is currently unknown. In summary, the available evidence is currently insufficient to determine the role of this variant in disease. Therefore, it has been classified as a Variant of Uncertain Significance.

NC_000023.11:g.(?_123885637)_(123886559_?)dup

Gene: XIAP (X-linked inhibitor of apoptosis; plus strand). Cytogenetic location: Xq25.
Variant type: Duplication.
Identifiers: ClinVar variation 831026 (VCV000831026.2).